The following is an entry in ClinVar:

ClinVar aggregate classification (germline): Likely benign. Review status: criteria provided, multiple submitters, no conflicts (2 of 4 stars). 2 submissions from 2 submitters: Likely benign (2). Last evaluated 2023-05-04.

Conditions:
Cardiomyopathy (CMYO). Also called: Cardiomyopathies. Identifiers: Orphanet 167848, MedGen C0878544, MONDO:0004994, HP:0001638. Inheritance: Various modes of inheritance.
Catecholaminergic polymorphic ventricular tachycardia (CVPT). Also called: Catecholamine-induced polymorphic ventricular tachycardia. Identifiers: Orphanet 3286, MedGen C5574922, MONDO:0017990.

gnomAD v4.1: 2 of 1,601,928 alleles (0.00012%); highest among the groups gnomAD compares: South Asian, 0.0022%; no homozygotes.

Submissions (2):

All of Us Research Program, National Institutes of Health
Classification: Likely benign for Catecholaminergic polymorphic ventricular tachycardia. Last evaluated: 2023-05-04. Review status: criteria provided, single submitter. Criteria: ACMG Guidelines, 2015. Collection method: clinical testing. Allele origin: germline. Inheritance: Autosomal dominant inheritance. Observed: 1 variant allele, 1 heterozygote.
Comment: This study involves interpretation of variants in research participants for the purpose of population health screening. Participant phenotype was not available at the time of variant classification. Additional details can be found in publication PMID: 35346344, PMCID: PMC8962531

Color Diagnostics, LLC DBA Color Health
Classification: Likely benign for Cardiomyopathy. Last evaluated: 2020-01-15. Review status: criteria provided, single submitter. Criteria: ACMG Guidelines, 2015. Collection method: clinical testing. Allele origin: germline.

NM_001035.3(RYR2):c.13035T>C (p.Asp4345=)

Genes: RYR2 (ryanodine receptor 2; plus strand), LOC126806068 (BRD4-independent group 4 enhancer GRCh37_chr1:237947411-237948610; plus strand). Cytogenetic location: 1q43.
Variant type: single nucleotide variant.
Coding change: c.13035T>C on transcript NM_001035.3 (MANE Select); coding-DNA position 13035, T replaced by C.
Protein change: p.Asp4345=; no amino-acid change (aspartic acid 4345 retained).
Molecular consequence: synonymous variant.
Genome position (GRCh38, 1-based): chr1:237,784,747, T>C. VCF-style: chr1-237784747-T-C. GRCh37 (hg19) VCF-style: chr1-237948047-T-C.
Identifiers: ClinVar variation 923040 (VCV000923040.3), dbSNP rs746030676, ClinGen allele CA424032605.